The following is an entry in ClinVar:

ClinVar aggregate classification (germline): Uncertain significance (1 of 4 stars; one submission).

Submission:

Ambry Genetics
Classification: Uncertain significance. Last evaluated: 2025-07-10. Review status: criteria provided, single submitter. Criteria: Ambry Variant Classification Scheme 2023. Collection method: clinical testing. Allele origin: germline.
Comment: The p.D375H variant (also known as c.1123G>C), located in coding exon 1 of the MLH3 gene, results from a G to C substitution at nucleotide position 1123. The aspartic acid at codon 375 is replaced by histidine, an amino acid with similar properties. This amino acid position is conserved. In addition, this alteration is predicted to be tolerated by in silico analysis. Based on the available evidence, the clinical significance of this variant remains unclear.

NM_001040108.2(MLH3):c.1123G>C (p.Asp375His)

Gene: MLH3 (mutL homolog 3; minus strand). Cytogenetic location: 14q24.3.
Variant type: single nucleotide variant.
Coding change: c.1123G>C on transcript NM_001040108.2 (MANE Select); coding-DNA position 1123, G replaced by C.
Protein change: p.Asp375His; replaces aspartic acid 375 with histidine.
Molecular consequence: missense variant.
Genome position (GRCh38, 1-based): chr14:75,048,533, C>G on the plus strand (G>C on the coding strand, the complement: MLH3 is on the minus strand). VCF-style: chr14-75048533-C-G. GRCh37 (hg19) VCF-style: chr14-75515236-C-G.
Other names: c.1123G>C, p.Asp375His (NM_014381.3); short protein forms D375H.
Identifiers: ClinVar variation 4108636 (VCV004108636.1).